The following is an entry in ClinVar:

ClinVar aggregate classification (germline): Uncertain significance (1 of 4 stars; one submission).

Conditions:
Combined immunodeficiency with skin granulomas. Identifiers: Orphanet 157949, MedGen C2673536, MONDO:0009306, OMIM 233650.
Severe combined immunodeficiency, autosomal recessive, T cell-negative, B cell-negative, NK cell-positive. Also called: SCID, AR, T-cell negative, B-cell negative, NK cell-positive; SCID, T CELL-NEGATIVE, B CELL-NEGATIVE, NK CELL-POSITIVE; Severe combined immunodeficiency due to complete RAG1/2 deficiency. Identifiers: Orphanet 331206, MedGen C1832322, MONDO:0011086, OMIM 601457.

Allele frequency attached by ClinVar (database versions not stated): TOPMed 0.00001; gnomAD exomes 0.00003.
gnomAD v4.1: 46 of 1,614,218 alleles (0.0028%); highest among the groups gnomAD compares: Non-Finnish European, 0.0038%; no homozygotes.

Submission:

Labcorp Genetics (formerly Invitae), Labcorp
Classification: Uncertain significance for Combined immunodeficiency with skin granulomas; Severe combined immunodeficiency, autosomal recessive, T cell-negative, B cell-negative, NK cell-positive. Last evaluated: 2021-12-18. Review status: criteria provided, single submitter. Criteria: Invitae Variant Classification Sherloc (09022015). Collection method: clinical testing. Allele origin: germline.
Comment: This sequence change replaces glutamic acid, which is acidic and polar, with glycine, which is neutral and non-polar, at codon 382 of the RAG2 protein (p.Glu382Gly). This variant is present in population databases (no rsID available, gnomAD 0.003%). This variant has not been reported in the literature in individuals affected with RAG2-related conditions. Advanced modeling of protein sequence and biophysical properties (such as structural, functional, and spatial information, amino acid conservation, physicochemical variation, residue mobility, and thermodynamic stability) performed at Invitae indicates that this missense variant is expected to disrupt RAG2 protein function. In summary, the available evidence is currently insufficient to determine the role of this variant in disease. Therefore, it has been classified as a Variant of Uncertain Significance.

NM_000536.4(RAG2):c.1145A>G (p.Glu382Gly)

Gene: RAG2 (recombination activating 2; minus strand). Cytogenetic location: 11p12.
Variant type: single nucleotide variant.
Coding change: c.1145A>G on transcript NM_000536.4 (MANE Select); coding-DNA position 1145, A replaced by G.
Protein change: p.Glu382Gly; replaces glutamic acid 382 with glycine.
Molecular consequence: missense variant.
Genome position (GRCh38, 1-based): chr11:36,593,024, T>C on the plus strand (A>G on the coding strand, the complement: RAG2 is on the minus strand). VCF-style: chr11-36593024-T-C. GRCh37 (hg19) VCF-style: chr11-36614574-T-C.
Other names: c.1145A>G, p.Glu382Gly (NM_001243785.2, NM_001243786.2); short protein forms E382G.
Identifiers: ClinVar variation 2070335 (VCV002070335.1), dbSNP rs1346188727, ClinGen allele CA380141022.